The following is an entry in ClinVar:

NM_012186.3(FOXE3):c.258C>G (p.His86Gln)

Genes: LINC01389 (long independently transcribed non-coding RNA 1389; minus strand), FOXE3 (forkhead box E3; plus strand). Cytogenetic location: 1p33.
Variant type: single nucleotide variant.
Coding change: c.258C>G on transcript NM_012186.3 (MANE Select); coding-DNA position 258, C replaced by G.
Protein change: p.His86Gln; replaces histidine 86 with glutamine.
Molecular consequence: missense variant.
Genome position (GRCh38, 1-based): chr1:47,416,573, C>G. VCF-style: chr1-47416573-C-G. GRCh37 (hg19) VCF-style: chr1-47882245-C-G.
Other names: c.258C>G (NM_012186.2); short protein forms H86Q.
Identifiers: ClinVar variation 1952325 (VCV001952325.6), dbSNP rs1225853707, ClinGen allele CA340249348.
Genomic context (GRCh38, chr1:47,416,573, plus strand): 5'-CCTGCAGCGCGGGAAGCCGCCCTACTCGTACATCGCGCTCATCGCCATGGCTCTGGCGCA[C>G]GCCCCGGGCCGCCGCCTCACGCTGGCCGCCATCTACCGCTTCATCACCGAACGCTTTGCC-3'
Protein context (NP_036318.1, residues 76-96): YIALIAMALA[His86Gln]APGRRLTLAA

ClinVar aggregate classification (germline): Uncertain significance. Review status: criteria provided, multiple submitters, no conflicts (2 of 4 stars). 2 submissions from 2 submitters: Uncertain significance (2). Last evaluated 2023-12-28.

Conditions:
Cardiovascular phenotype. Identifiers: MedGen CN230736.
Congenital primary aphakia. Also called: Anterior segment dysgenesis 2, multiple subtypes; ANTERIOR SEGMENT DYSGENESIS 2. Identifiers: Orphanet 83461, MedGen C1853230, MONDO:0012456, OMIM 610256.
Anterior segment dysgenesis. Also called: Ocular anterior segment dysgenesis. Identifiers: Orphanet 88632, MedGen C1862839, MONDO:0019503, HP:0007700.

gnomAD v4.1: 2 of 1,604,320 alleles (0.00012%); highest among the groups gnomAD compares: South Asian, 0.0022%; no homozygotes.

Submissions (2):

Ambry Genetics
Classification: Uncertain significance for Cardiovascular phenotype. Last evaluated: 2023-12-28. Review status: criteria provided, single submitter. Criteria: Ambry Variant Classification Scheme 2023. Collection method: clinical testing. Allele origin: germline.

Labcorp Genetics (formerly Invitae), Labcorp
Classification: Uncertain significance for Anterior segment dysgenesis; Congenital primary aphakia. Last evaluated: 2022-01-12. Review status: criteria provided, single submitter. Criteria: Invitae Variant Classification Sherloc (09022015). Collection method: clinical testing. Allele origin: germline.
Comment: In summary, the available evidence is currently insufficient to determine the role of this variant in disease. Therefore, it has been classified as a Variant of Uncertain Significance. Algorithms developed to predict the effect of missense changes on protein structure and function output the following: SIFT: "Deleterious"; PolyPhen-2: "Benign"; Align-GVGD: "Class C0". The glutamine amino acid residue is found in multiple mammalian species, which suggests that this missense change does not adversely affect protein function. This variant has not been reported in the literature in individuals affected with FOXE3-related conditions. This variant is present in population databases (no rsID available, gnomAD 0.003%). This sequence change replaces histidine, which is basic and polar, with glutamine, which is neutral and polar, at codon 86 of the FOXE3 protein (p.His86Gln).